The following is an entry in ClinVar:

NM_001142800.2(EYS):c.7492G>C (p.Ala2498Pro)

Gene: EYS (EGF-like photoreceptor maintenance factor; minus strand). Cytogenetic location: 6q12.
Variant type: single nucleotide variant.
Coding change: c.7492G>C on transcript NM_001142800.2 (MANE Select); coding-DNA position 7492, G replaced by C.
Protein change: p.Ala2498Pro; replaces alanine 2498 with proline.
Molecular consequence: missense variant.
Genome position (GRCh38, 1-based): chr6:63,789,144, C>G on the plus strand (G>C on the coding strand, the complement: EYS is on the minus strand). VCF-style: chr6-63789144-C-G. GRCh37 (hg19) VCF-style: chr6-64499037-C-G.
Other names: c.7492G>C, p.Ala2498Pro (NM_001292009.2); short protein forms A2498P.
Identifiers: ClinVar variation 972618 (VCV000972618.16), dbSNP rs1311193836, ClinGen allele CA364385854.

ClinVar aggregate classification (germline): Pathogenic/Likely pathogenic. Review status: criteria provided, multiple submitters, no conflicts (2 of 4 stars). 9 submissions from 9 submitters: Pathogenic (8); Likely pathogenic (1). Last evaluated 2026-01-26.

Conditions:
Retinal dystrophy. Also called: Inherited retinal dystrophy. Identifiers: Orphanet 71862, MedGen C0854723, MeSH D058499, MONDO:0019118, HP:0000556.
EYS-related disorder. Also called: EYS-related condition.
Retinitis pigmentosa (RP). Identifiers: Orphanet 791, MedGen C0035334, MeSH D012174, MONDO:0019200, OMIM 268000. Inheritance: Autosomal dominant, autosomal recessive and X linked inheritance.
Retinitis pigmentosa 25 (RP25). Identifiers: Orphanet 791, MedGen C1864446, MONDO:0011272, OMIM 602772.

Allele frequency attached by ClinVar (database versions not stated): TOPMed 0.00001; gnomAD exomes 0.00004.
gnomAD v4.1: 4 of 1,551,756 alleles (0.00026%); highest among the groups gnomAD compares: East Asian, 0.0098%; no homozygotes.

Submissions (9):

Medical and Scientific Branch, Hong Kong Genome Institute
Classification: Pathogenic for Retinitis pigmentosa 25. Last evaluated: 2026-01-26. Review status: criteria provided, single submitter. Criteria: ACMG Guidelines, 2015. Collection method: clinical testing. Allele origin: unknown. Affected: yes.

Labcorp Genetics (formerly Invitae), Labcorp
Classification: Pathogenic. Last evaluated: 2025-12-21. Review status: criteria provided, single submitter. Criteria: Invitae Variant Classification Sherloc (09022015). Collection method: clinical testing. Allele origin: germline.
Comment: This sequence change replaces alanine, which is neutral and non-polar, with proline, which is neutral and non-polar, at codon 2498 of the EYS protein (p.Ala2498Pro). This variant is present in population databases (no rsID available, gnomAD 0.07%). This missense change has been observed in individual(s) with cone-rod dystrophy and/or retinitis pigmentosa (PMID: 25356976, 30804660, 33090715). In at least one individual the data is consistent with being in trans (on the opposite chromosome) from a pathogenic variant. ClinVar contains an entry for this variant (Variation ID: 972618). Invitae Evidence Modeling of protein sequence and biophysical properties (such as structural, functional, and spatial information, amino acid conservation, physicochemical variation, residue mobility, and thermodynamic stability) indicates that this missense variant is expected to disrupt EYS protein function with a positive predictive value of 80%. For these reasons, this variant has been classified as Pathogenic.

Natera, Inc.
Classification: Pathogenic for Retinitis pigmentosa type 25. Last evaluated: 2025-07-29. Review status: criteria provided, single submitter. Criteria: Natera Variant Classification Schema (03/2026). Collection method: clinical testing. Allele origin: germline.
Comment: The c.7492G>C variant in EYS is a missense variant predicted to cause substitution of alanine to proline at amino acid 2498. This variant is rare in the general population with a frequency below the threshold expected for the associated phenotype(s). This variant has been observed in one or more individuals affected with the associated recessive disease, as either homozygous or compound heterozygous with a second variant (PMID: 34178978). Computational prediction algorithms indicate this variant is likely to affect gene or protein function. Given the available evidence, this variant is classified as Pathogenic.

Myriad Genetics, Inc.
Classification: Pathogenic for Retinitis pigmentosa 25. Last evaluated: 2025-04-30. Review status: criteria provided, single submitter. Criteria: Myriad Autosomal Dominant, Autosomal Recessive and X-Linked Classification Criteria (2023). Collection method: clinical testing. Allele origin: unknown.
Comment: NM_001142800.1(EYS):c.7492G>C(A2498P) is a missense variant classified as pathogenic in the context of retinitis pigmentosa, EYS-related. A2498P has been observed in cases with relevant disease (PMID: 25356976, 35816039, 34178978, 36284460, 32037395). Relevant functional assessments of this variant are not available in the literature. A2498P has been observed in referenced population frequency databases. In summary, NM_001142800.1(EYS):c.7492G>C(A2498P) is a missense variant that has been observed more frequently in cases with the relevant disease than in healthy populations. Please note: this variant was assessed in the context of healthy population screening.

SingHealth Duke-NUS Institute of Precision Medicine
Classification: Likely pathogenic for Retinitis pigmentosa 25. Last evaluated: 2025-02-05. Review status: criteria provided, single submitter. Criteria: PRISM ACMG Classification Criteria. Collection method: clinical testing. Allele origin: germline. Affected: yes.
Comment: Homozygous allele count in gnomAD exomes and genomes are less than 0 (PM2). REVEL score is 0.814 (PP3_mod). Variant is observed to be in trans with another pathogenic variant (PM3). Variant is observed to cosegregate with the disease phenotype in multiple families in multiple studies (PP1, PMID:34689181;25356976)

Blueprint Genetics
Classification: Pathogenic for EYS-related disorders. Last evaluated: 2024-11-06. Review status: criteria provided, single submitter. Criteria: ACMG Guidelines, 2015. Collection method: clinical testing. Allele origin: germline. Affected: yes. Observed: 5 variant alleles.

Baylor Genetics
Classification: Pathogenic for Retinitis pigmentosa 25. Last evaluated: 2024-03-22. Review status: criteria provided, single submitter. Criteria: ACMG Guidelines, 2015. Collection method: clinical testing. Allele origin: unknown.

Dept Of Ophthalmology, Nagoya University
Classification: Pathogenic for Retinal dystrophy. Last evaluated: 2023-10-01. Review status: criteria provided, single submitter. Criteria: Submitter's publication. Collection method: research. Allele origin: germline. Affected: yes.

Women's Health and Genetics/Laboratory Corporation of America, LabCorp
Classification: Pathogenic for Retinitis pigmentosa. Last evaluated: 2023-07-27. Review status: criteria provided, single submitter. Criteria: LabCorp Variant Classification Summary - May 2015. Collection method: clinical testing. Allele origin: germline.
Comment: Variant summary: EYS c.7492G>C (p.Ala2498Pro) results in a non-conservative amino acid change located in the Laminin G domain (IPR001791) of the encoded protein sequence. Three of five in-silico tools predict a damaging effect of the variant on protein function. The variant allele was found at a frequency of 4.5e-05 in 156982 control chromosomes. c.7492G>C has been reported in the literature in multiple individuals affected with Retinitis Pigmentosa (Gao_2022, Huang_2014) . These data indicate that the variant is very likely to be associated with disease. To our knowledge, no experimental evidence demonstrating an impact on protein function has been reported. The following publications have been ascertained in the context of this evaluation (PMID: 34689181, 25356976). Two submitters have cited clinical-significance assessments for this variant to ClinVar after 2014. One submitter classified the variant as pathogenic, and one submitter classified the variant as uncertain significance. Based on the evidence outlined above, the variant was classified as pathogenic.

Literature cited by the submitters: PubMed 25356976 (cited by 4 submitters); PubMed 30804660 (cited by Labcorp Genetics (formerly Invitae), Labcorp); PubMed 33090715 (cited by Labcorp Genetics (formerly Invitae), Labcorp); PubMed 34178978 (cited by Natera, Inc. and Myriad Genetics, Inc.); PubMed 32037395 (cited by Myriad Genetics, Inc.); PubMed 35816039 (cited by Myriad Genetics, Inc.); PubMed 36284460 (cited by Myriad Genetics, Inc.); PubMed 34689181 (cited by SingHealth Duke-NUS Institute of Precision Medicine and Women's Health and Genetics/Laboratory Corporation of America, LabCorp).